The following is an entry in ClinVar:

ClinVar aggregate classification (germline): Uncertain significance (1 of 4 stars; one submission).

Conditions:
Werner syndrome (WRN). Identifiers: Orphanet 902, MedGen C0043119, MONDO:0010196, OMIM 277700.

Allele frequency attached by ClinVar (database versions not stated): TOPMed below 0.00001.

Submission:

Labcorp Genetics (formerly Invitae), Labcorp
Classification: Uncertain significance for Werner syndrome. Last evaluated: 2023-04-18. Review status: criteria provided, single submitter. Criteria: Invitae Variant Classification Sherloc (09022015). Collection method: clinical testing. Allele origin: germline.
Comment: This variant has not been reported in the literature in individuals affected with WRN-related conditions. In summary, the available evidence is currently insufficient to determine the role of this variant in disease. Therefore, it has been classified as a Variant of Uncertain Significance. An algorithm developed to predict the effect of missense changes on protein structure and function (PolyPhen-2) suggests that this variant is likely to be tolerated. This variant is not present in population databases (gnomAD no frequency). This sequence change replaces glutamic acid, which is acidic and polar, with glycine, which is neutral and non-polar, at codon 439 of the WRN protein (p.Glu439Gly).

NM_000553.6(WRN):c.1316A>G (p.Glu439Gly)

Gene: WRN (WRN RecQ like helicase; plus strand). Cytogenetic location: 8p12.
Variant type: single nucleotide variant.
Coding change: c.1316A>G on transcript NM_000553.6 (MANE Select); coding-DNA position 1316, A replaced by G.
Protein change: p.Glu439Gly; replaces glutamic acid 439 with glycine.
Molecular consequence: missense variant.
Genome position (GRCh38, 1-based): chr8:31,083,745, A>G. VCF-style: chr8-31083745-A-G. GRCh37 (hg19) VCF-style: chr8-30941261-A-G.
Other names: short protein forms E439G.
Identifiers: ClinVar variation 2713712 (VCV002713712.3), dbSNP rs1222259418, ClinGen allele CA370922707.